The following is an entry in ClinVar:

ClinVar aggregate classification (germline): Conflicting classifications of pathogenicity. Review status: criteria provided, conflicting classifications (1 of 4 stars). 5 submissions from 5 submitters: Uncertain significance (4); Likely benign (1). Last evaluated 2026-07-07.

Conditions:
Marfan syndrome (MFS). Also called: FBN1-Related Marfan Syndrome; Marfan's syndrome; MARFAN SYNDROME, TYPE I; Marfan syndrome, classic; Marfan syndrome type 1. Identifiers: Orphanet 284963, Orphanet 558, MedGen C0024796, MONDO:0007947, OMIM 154700.
Familial thoracic aortic aneurysm and aortic dissection (TAAD). Also called: Thoracic aortic aneurysms and dissections. Identifiers: Orphanet 91387, MedGen C4707243, MONDO:0019625.

Allele frequency attached by ClinVar (database versions not stated): gnomAD exomes below 0.00001; TOPMed below 0.00001; ExAC 0.00001.
gnomAD v4.1: 1 of 1,614,204 alleles (0.000062%); highest among the groups gnomAD compares: Non-Finnish European, 0.000085%; no homozygotes.

Submissions (5):

Ambry Genetics
Classification: Uncertain significance for Familial thoracic aortic aneurysm and aortic dissection. Last evaluated: 2026-07-07. Review status: criteria provided, single submitter. Criteria: Ambry Variant Classification Scheme 2023. Collection method: clinical testing. Allele origin: germline.
Comment: The p.E30D variant (also known as c.90G>T), located in coding exon 1 of the FBN1 gene, results from a G to T substitution at nucleotide position 90. The glutamic acid at codon 30 is replaced by aspartic acid, an amino acid with highly similar properties. This amino acid position is conserved. In addition, the in silico prediction for this alteration is inconclusive. Based on the available evidence, the clinical significance of this variant remains unclear.

Labcorp Genetics (formerly Invitae), Labcorp
Classification: Likely benign for Marfan syndrome; Familial thoracic aortic aneurysm and aortic dissection. Last evaluated: 2023-11-09. Review status: criteria provided, single submitter. Criteria: Invitae Variant Classification Sherloc (09022015). Collection method: clinical testing. Allele origin: germline.

All of Us Research Program, National Institutes of Health
Classification: Uncertain significance for Marfan syndrome. Last evaluated: 2023-08-23. Review status: criteria provided, single submitter. Criteria: ACMG Guidelines, 2015. Collection method: clinical testing. Allele origin: germline. Inheritance: Autosomal dominant inheritance. Observed: 1 variant allele, 1 heterozygote.
Comment: This missense variant replaces glutamic acid with aspartic acid at codon 30 of the FBN1 protein. Computational prediction suggests that this variant may not impact protein structure and function (internally defined REVEL score threshold <= 0.5, PMID: 27666373). To our knowledge, functional studies have not been reported for this variant. This variant has not been reported in individuals affected with FBN1-related disorders in the literature. This variant has been identified in 1/251480 chromosomes in the general population by the Genome Aggregation Database (gnomAD). The available evidence is insufficient to determine the role of this variant in disease conclusively. Therefore, this variant is classified as a Variant of Uncertain Significance.

This study involves interpretation of variants in research participants for the purpose of population health screening. Participant phenotype was not available at the time of variant classification. Additional details can be found in publication PMID: 35346344, PMCID: PMC8962531

Color Diagnostics, LLC DBA Color Health
Classification: Uncertain significance for Familial thoracic aortic aneurysm and aortic dissection. Last evaluated: 2023-08-09. Review status: criteria provided, single submitter. Criteria: ACMG Guidelines, 2015. Collection method: clinical testing. Allele origin: germline.
Comment: This missense variant replaces glutamic acid with aspartic acid at codon 30 of the FBN1 protein. Computational prediction suggests that this variant may not impact protein structure and function. To our knowledge, functional studies have not been reported for this variant. This variant has not been reported in individuals affected with FBN1-related disorders in the literature. This variant has been identified in 1/251480 chromosomes in the general population by the Genome Aggregation Database (gnomAD). The available evidence is insufficient to determine the role of this variant in disease conclusively. Therefore, this variant is classified as a Variant of Uncertain Significance.

Women's Health and Genetics/Laboratory Corporation of America, LabCorp
Classification: Uncertain significance. Last evaluated: 2016-11-17. Review status: criteria provided, single submitter. Criteria: LabCorp Variant Classification Summary - May 2015. Collection method: clinical testing. Allele origin: germline.
Comment: Variant summary: The FBN1 c.90G>T (p.Glu30Asp) variant involves the alteration of a conserved nucleotide. 2/3 in silico tools predict a benign outcome for this variant. This variant was found in 1/121400 control chromosomes at a frequency of 0.0000082, which does not exceed the estimated maximal expected allele frequency of a pathogenic FBN1 variant (0.0001125); however, this does not rule out the possibility that the variant being a rare polymorphism. The variant of interest has not, to our knowledge, been reported in affected individuals via publications and/or reputable databases/clinical diagnostic laboratories. Taken together, this variant is currently classified as VUS-possibly benign until more information becomes available.

NM_000138.5(FBN1):c.90G>T (p.Glu30Asp)

Gene: FBN1 (fibrillin 1; minus strand). Cytogenetic location: 15q21.1.
Variant type: single nucleotide variant.
Coding change: c.90G>T on transcript NM_000138.5 (MANE Select); coding-DNA position 90, G replaced by T.
Protein change: p.Glu30Asp; replaces glutamic acid 30 with aspartic acid.
Molecular consequence: missense variant.
Genome position (GRCh38, 1-based): chr15:48,644,680, C>A on the plus strand (G>T on the coding strand, the complement: FBN1 is on the minus strand). VCF-style: chr15-48644680-C-A. GRCh37 (hg19) VCF-style: chr15-48936877-C-A.
Other names: short protein forms E30D.
Identifiers: ClinVar variation 495661 (VCV000495661.7), dbSNP rs778831047, ClinGen allele CA060356.